The following is an entry in ClinVar:

ClinVar aggregate classification (germline): Pathogenic (1 of 4 stars; one submission).

Conditions:
Congenital lipoid adrenal hyperplasia due to STAR deficency. Also called: ADRENAL HYPERPLASIA I; Cholesterol monooxygenase (side-chain cleaving) deficiency; Congenital Lipoid Adrenal Hyperplasia; Lipoid adrenal hyperplasia. Identifiers: Orphanet 418, Orphanet 90790, MedGen C0342474, MONDO:0008725, OMIM 201710.

Submission:

Myriad Genetics, Inc.
Classification: Pathogenic for Congenital lipoid adrenal hyperplasia due to STAR deficency. Last evaluated: 2023-09-27. Review status: criteria provided, single submitter. Criteria: Myriad Autosomal Dominant, Autosomal Recessive and X-Linked Classification Criteria (2023). Collection method: clinical testing. Allele origin: unknown.
Comment: NM_000349.2(STAR):c.374dupT(V126Gfs*10) is expected to be pathogenic in the context of lipoid congenital adrenal hyperplasia. This variant is predicted to lead to an abnormal or absent protein product due to the creation of a premature termination codon in STAR, a gene where loss-of-function variants are known to be pathogenic. Please note: this variant was assessed in the context of healthy population screening.

NM_000349.3(STAR):c.374dup (p.Val126fs)

Gene: STAR (steroidogenic acute regulatory protein; minus strand). Cytogenetic location: 8p11.23.
Variant type: Duplication.
Coding change: c.374dup on transcript NM_000349.3 (MANE Select); coding-DNA position 374, one base duplicated (T; older notation c.374dupT).
Protein change: p.Val126fs; shifts the reading frame from valine 126.
Molecular consequence: frameshift variant.
Genome position (GRCh38, 1-based): chr8:38,146,380, A duplicated on the plus strand (T on the coding strand, the reverse complement: STAR is on the minus strand). VCF-style (leftmost placement, unchanged base first): chr8-38146379-C-CA. GRCh37 (hg19) VCF-style: chr8-38003897-C-CA.
Other names: short protein forms V126fs.
Identifiers: ClinVar variation 5011946 (VCV005011946.1).